The following is an entry in ClinVar:

NM_024301.5(FKRP):c.997C>G (p.Leu333Val)

Gene: FKRP (fukutin related protein; plus strand). Cytogenetic location: 19q13.32.
Variant type: single nucleotide variant.
Coding change: c.997C>G on transcript NM_024301.5 (MANE Select); coding-DNA position 997, C replaced by G.
Protein change: p.Leu333Val; replaces leucine 333 with valine.
Molecular consequence: missense variant.
Genome position (GRCh38, 1-based): chr19:46,756,447, C>G. VCF-style: chr19-46756447-C-G. GRCh37 (hg19) VCF-style: chr19-47259704-C-G.
Other names: c.997C>G, p.Leu333Val (NM_001039885.3); short protein forms L333V.
Identifiers: ClinVar variation 3227831 (VCV003227831.1), dbSNP rs2513995240, ClinGen allele CA406496436.

ClinVar aggregate classification (germline): Uncertain significance (1 of 4 stars; one submission).

Conditions:
Cardiovascular phenotype. Identifiers: MedGen CN230736.

Submission:

Ambry Genetics
Classification: Uncertain significance for Cardiovascular phenotype. Last evaluated: 2023-12-16. Review status: criteria provided, single submitter. Criteria: Ambry Variant Classification Scheme 2023. Collection method: clinical testing. Allele origin: germline.
Comment: The p.L333V variant (also known as c.997C>G), located in coding exon 1 of the FKRP gene, results from a C to G substitution at nucleotide position 997. The leucine at codon 333 is replaced by valine, an amino acid with highly similar properties. This amino acid position is conserved. In addition, the in silico prediction for this alteration is inconclusive. Since supporting evidence is limited at this time, the clinical significance of this alteration remains unclear.